The following is an entry in ClinVar:

ClinVar aggregate classification (germline): Uncertain significance (1 of 4 stars; one submission).

Submission:

Labcorp Genetics (formerly Invitae), Labcorp
Classification: Uncertain significance. Last evaluated: 2022-03-08. Review status: criteria provided, single submitter. Criteria: Invitae Variant Classification Sherloc (09022015). Collection method: clinical testing. Allele origin: germline.
Comment: This sequence change replaces asparagine, which is neutral and polar, with aspartic acid, which is acidic and polar, at codon 4382 of the ADGRV1 protein (p.Asn4382Asp). In summary, the available evidence is currently insufficient to determine the role of this variant in disease. Therefore, it has been classified as a Variant of Uncertain Significance. Algorithms developed to predict the effect of missense changes on protein structure and function output the following: SIFT: "Deleterious"; PolyPhen-2: "Possibly Damaging"; Align-GVGD: "Class C0". The aspartic acid amino acid residue is found in multiple mammalian species, which suggests that this missense change does not adversely affect protein function. This variant has not been reported in the literature in individuals affected with ADGRV1-related conditions. This variant is not present in population databases (gnomAD no frequency).

NM_032119.4(ADGRV1):c.13144A>G (p.Asn4382Asp)

Gene: ADGRV1 (adhesion G protein-coupled receptor V1; plus strand). Cytogenetic location: 5q14.3.
Variant type: single nucleotide variant.
Coding change: c.13144A>G on transcript NM_032119.4 (MANE Select); coding-DNA position 13144, A replaced by G.
Protein change: p.Asn4382Asp; replaces asparagine 4382 with aspartic acid.
Molecular consequence: missense variant. On other transcripts: non-coding transcript variant (1).
Genome position (GRCh38, 1-based): chr5:90,781,491, A>G. VCF-style: chr5-90781491-A-G. GRCh37 (hg19) VCF-style: chr5-90077308-A-G.
Other names: short protein forms N4382D.
Identifiers: ClinVar variation 1379368 (VCV001379368.6), dbSNP rs2150094707, ClinGen allele CA360391844.